The following is an entry in ClinVar:

ClinVar aggregate classification (germline): Likely benign. Review status: criteria provided, multiple submitters, no conflicts (2 of 4 stars). 4 submissions from 4 submitters: Likely benign (4). Last evaluated 2025-04-09.

Conditions:
Cardiovascular phenotype. Identifiers: MedGen CN230736.
Hypertrophic cardiomyopathy. Also called: HYPERTROPHIC MYOCARDIOPATHY. Identifiers: Orphanet 217569, MedGen C0007194, MeSH D002312, MONDO:0005045, HP:0001639.

Allele frequency attached by ClinVar (database versions not stated): TOPMed below 0.00001; gnomAD 0.00001.

Submissions (4):

Molecular Diagnostic Laboratory for Inherited Cardiovascular Disease, Montreal Heart Institute
Classification: Likely benign. Last evaluated: 2025-04-09. Review status: criteria provided, single submitter. Criteria: ACMG Guidelines, 2015. Collection method: clinical testing. Allele origin: germline. Affected: no.
Comment: BP6;BP7

Labcorp Genetics (formerly Invitae), Labcorp
Classification: Likely benign for Hypertrophic cardiomyopathy. Last evaluated: 2024-12-24. Review status: criteria provided, single submitter. Criteria: Invitae Variant Classification Sherloc (09022015). Collection method: clinical testing. Allele origin: germline.

Ambry Genetics
Classification: Likely benign for Cardiovascular phenotype. Last evaluated: 2023-12-10. Review status: criteria provided, single submitter. Criteria: Ambry Variant Classification Scheme 2023. Collection method: clinical testing. Allele origin: germline.

All of Us Research Program, National Institutes of Health
Classification: Likely benign for Hypertrophic cardiomyopathy. Last evaluated: 2023-08-08. Review status: criteria provided, single submitter. Criteria: ACMG Guidelines, 2015. Collection method: clinical testing. Allele origin: germline. Inheritance: Autosomal dominant inheritance. Observed: 3 variant alleles, 3 heterozygotes.
Comment: This study involves interpretation of variants in research participants for the purpose of population health screening. Participant phenotype was not available at the time of variant classification. Additional details can be found in publication PMID: 35346344, PMCID: PMC8962531

NM_000256.3(MYBPC3):c.2637G>A (p.Glu879=)

Gene: MYBPC3 (myosin binding protein C3; minus strand). Cytogenetic location: 11p11.2.
Variant type: single nucleotide variant.
Coding change: c.2637G>A on transcript NM_000256.3 (MANE Select); coding-DNA position 2637, G replaced by A.
Protein change: p.Glu879=; no amino-acid change (glutamic acid 879 retained).
Molecular consequence: synonymous variant.
Genome position (GRCh38, 1-based): chr11:47,335,977, C>T on the plus strand (G>A on the coding strand, the complement: MYBPC3 is on the minus strand). VCF-style: chr11-47335977-C-T. GRCh37 (hg19) VCF-style: chr11-47357528-C-T.
Identifiers: ClinVar variation 1106793 (VCV001106793.12), dbSNP rs1394548630, ClinGen allele CA474214625.